The following is an entry in ClinVar:

ClinVar aggregate classification (germline): Uncertain significance (1 of 4 stars; one submission).

Conditions:
Epsilon-trimethyllysine hydroxylase deficiency. Also called: Autism, susceptibility to, X-linked 6. Identifiers: MedGen C3550875, MONDO:0010469, OMIM 300872.

gnomAD v4.1: 1 of 1,198,482 alleles (0.000083%); no homozygotes.

Submissions (3):

Juno Genomics, Hangzhou Juno Genomics, Inc
Classification: Uncertain significance for Epsilon-trimethyllysine hydroxylase deficiency. Review status: criteria provided, single submitter. Criteria: ACMG Guidelines, 2015. Collection method: clinical testing. Allele origin: germline. Affected: yes.
Comment: Null variant in a gene where loss of function (LOF) is a known mechanism of disease.;Absent from controls (or at extremely low frequency if recessive) in Genome Aggregation Database, Exome Sequencing Project, 1000 Genomes Project, or Exome Aggregation Consortium.

Dr. Peter K. Rogan Lab, Western University
No classification provided (evidence only). Condition: Nonpapillary renal cell carcinoma. Review status: no classification provided. Collection method: in vitro. Allele origin: not applicable. Functional consequence: retained intron. Not counted in ClinVar's aggregate classification.

Dr. Peter K. Rogan Lab, Western University
No classification provided (evidence only). Condition: Nonpapillary renal cell carcinoma. Review status: no classification provided. Collection method: in vitro. Allele origin: not applicable. Functional consequence: retained intron. Not counted in ClinVar's aggregate classification.

NM_018196.4(TMLHE):c.995+2T>C

Gene: TMLHE (trimethyllysine hydroxylase, epsilon; minus strand). Cytogenetic location: Xq28.
Variant type: single nucleotide variant.
Coding change: c.995+2T>C on transcript NM_018196.4 (MANE Select); the canonical splice donor site of the intron after coding-DNA position 995, T replaced by C.
Molecular consequence: splice donor variant.
Genome position (GRCh38, 1-based): chrX:155,506,896, A>G on the plus strand (T>C on the coding strand, the complement: TMLHE is on the minus strand). VCF-style: chrX-155506896-A-G. GRCh37 (hg19) VCF-style: chrX-154736557-A-G.
Other names: NC_000023.10:g.154736557A>G; c.995+2T>C (NM_001184797.2).
Identifiers: ClinVar variation 3382623 (VCV003382623.3).